The following is an entry in ClinVar:

NM_015114.3(ANKLE2):c.1195G>A (p.Val399Met)

Gene: ANKLE2 (ankyrin repeat and LEM domain containing 2; minus strand). Cytogenetic location: 12q24.33.
Variant type: single nucleotide variant.
Coding change: c.1195G>A on transcript NM_015114.3 (MANE Select); coding-DNA position 1195, G replaced by A.
Protein change: p.Val399Met; replaces valine 399 with methionine.
Molecular consequence: missense variant.
Genome position (GRCh38, 1-based): chr12:132,747,867, C>T on the plus strand (G>A on the coding strand, the complement: ANKLE2 is on the minus strand). VCF-style: chr12-132747867-C-T. GRCh37 (hg19) VCF-style: chr12-133324453-C-T.
Other names: c.1195G>A (NM_015114.1); short protein forms V399M.
Identifiers: ClinVar variation 806972 (VCV000806972.46), dbSNP rs768887386, ClinGen allele CA6895733.

ClinVar aggregate classification (germline): Uncertain significance. Review status: criteria provided, multiple submitters, no conflicts (2 of 4 stars). 3 submissions from 3 submitters: Uncertain significance (3). Last evaluated 2021-10-06.

Conditions:
Inborn genetic diseases. Identifiers: MedGen C0950123, MeSH D030342.

Allele frequency attached by ClinVar (database versions not stated): ExAC 0.00002; gnomAD exomes 0.00004; gnomAD 0.00006 and 0.00007; TOPMed 0.00012.

Submissions (3):

Ambry Genetics
Classification: Uncertain significance for Inborn genetic diseases. Last evaluated: 2021-10-06. Review status: criteria provided, single submitter. Criteria: Ambry Variant Classification Scheme 2023. Collection method: clinical testing. Allele origin: germline.

GeneDx
Classification: Uncertain significance. Last evaluated: 2019-07-18. Review status: criteria provided, single submitter. Criteria: GeneDx Variant Classification Process June 2021. Collection method: clinical testing. Allele origin: germline. Affected: yes.
Comment: In silico analysis, which includes protein predictors and evolutionary conservation, supports that this variant does not alter protein structure/function; Has not been previously published as pathogenic or benign to our knowledge

CeGaT Center for Human Genetics Tuebingen
Classification: Uncertain significance. Last evaluated: 2017-03-01. Review status: criteria provided, single submitter. Criteria: CeGaT Center For Human Genetics Tuebingen Variant Classification Criteria Version 2. Collection method: clinical testing. Allele origin: germline. Affected: yes. Observed: 1 variant allele.